The following is an entry in ClinVar:

NM_001171.6(ABCC6):c.1799G>A (p.Arg600His)

Gene: ABCC6 (ATP binding cassette subfamily C member 6; minus strand). Cytogenetic location: 16p13.11.
Variant type: single nucleotide variant.
Coding change: c.1799G>A on transcript NM_001171.6 (MANE Select); coding-DNA position 1799, G replaced by A.
Protein change: p.Arg600His; replaces arginine 600 with histidine.
Molecular consequence: missense variant. On other transcripts: non-coding transcript variant (1).
Genome position (GRCh38, 1-based): chr16:16,187,192, C>T on the plus strand (G>A on the coding strand, the complement: ABCC6 is on the minus strand). VCF-style: chr16-16187192-C-T. GRCh37 (hg19) VCF-style: chr16-16281049-C-T.
Other names: c.1457G>A, p.Arg486His (NM_001351800.1); c.1799G>A (NM_001171.5); short protein forms R600H, R486H.
Identifiers: ClinVar variation 1521281 (VCV001521281.7), dbSNP rs761433545, ClinGen allele CA7926153.

ClinVar aggregate classification (germline): Conflicting classifications of pathogenicity. Review status: criteria provided, conflicting classifications (1 of 4 stars). 3 submissions from 3 submitters: Pathogenic (1); Likely pathogenic (1); Uncertain significance (1). Last evaluated 2025-12-31.

Conditions:
Retinal dystrophy. Also called: Inherited retinal dystrophy. Identifiers: Orphanet 71862, MedGen C0854723, MeSH D058499, MONDO:0019118, HP:0000556.
ABCC6-related disorder. Also called: ABCC6-related condition.

Allele frequency attached by ClinVar (database versions not stated): gnomAD 0.00001; gnomAD exomes 0.00001 and 0.00002; TOPMed 0.00001; ExAC 0.00002.
gnomAD v4.1: 17 of 1,613,500 alleles (0.0011%); highest among the groups gnomAD compares: South Asian, 0.0044%; no homozygotes.

Submissions (3):

Labcorp Genetics (formerly Invitae), Labcorp
Classification: Pathogenic. Last evaluated: 2025-12-31. Review status: criteria provided, single submitter. Criteria: Invitae Variant Classification Sherloc (09022015). Collection method: clinical testing. Allele origin: germline.
Comment: This sequence change replaces arginine, which is basic and polar, with histidine, which is basic and polar, at codon 600 of the ABCC6 protein (p.Arg600His). This variant is present in population databases (rs761433545, gnomAD 0.006%). This missense change has been observed in individuals with pseudoxanthoma elasticum (PMID: 18513494, 34906475). ClinVar contains an entry for this variant (Variation ID: 1521281). Invitae Evidence Modeling of protein sequence and biophysical properties (such as structural, functional, and spatial information, amino acid conservation, physicochemical variation, residue mobility, and thermodynamic stability) indicates that this missense variant is expected to disrupt ABCC6 protein function with a positive predictive value of 95%. This variant disrupts the p.Arg600 amino acid residue in ABCC6. Other variant(s) that disrupt this residue have been observed in individuals with ABCC6-related conditions (PMID: 15459974, 18513494), which suggests that this may be a clinically significant amino acid residue. For these reasons, this variant has been classified as Pathogenic.

PreventionGenetics, part of Exact Sciences
Classification: Likely pathogenic for ABCC6-related condition. Last evaluated: 2023-06-01. Review status: criteria provided, single submitter. Criteria: ACMG Guidelines, 2015. Collection method: clinical testing. Allele origin: germline.
Comment: The ABCC6 c.1799G>A variant is predicted to result in the amino acid substitution p.Arg600His. This variant has been reported in the compound heterozygous state in individuals with pseudoxanthoma elasticum (PXE; Table 1, Garcia-Fernandez et al. 2008. PubMed ID: 18513494; Tables 1 and S1, Boraldi et al. 2021. PubMed ID: 34205333; Table S1, Saeidian et al. 2021. PubMed ID: 34906475). This variant is reported in 0.0054% of alleles in individuals of East Asian descent in gnomAD. An alternate nucleotide change affecting the same amino acid (p.Arg600Cys) has been reported in individuals with PXE (Table 2, Gheduzzi et al. 2004. PubMed ID: 15459974; Tables 1 and S1, Boraldi et al. 2021. PubMed ID: 34205333; ClinVar Variation ID: 433243). The c.1799G>A (p.Arg600His) variant is interpreted as likely pathogenic.

Institute of Human Genetics, Univ. Regensburg, Univ. Regensburg
Classification: Uncertain significance for Retinal dystrophy. Last evaluated: 2023-01-01. Review status: criteria provided, single submitter. Criteria: ACMG Guidelines, 2015. Collection method: clinical testing. Allele origin: germline. Affected: yes.

Literature cited by the submitters: PubMed 18513494 (cited by Labcorp Genetics (formerly Invitae), Labcorp and Institute of Human Genetics, Univ. Regensburg, Univ. Regensburg); PubMed 34906475 (cited by Labcorp Genetics (formerly Invitae), Labcorp and Institute of Human Genetics, Univ. Regensburg, Univ. Regensburg); PubMed 15459974 (cited by Labcorp Genetics (formerly Invitae), Labcorp); PubMed 34205333 (cited by Institute of Human Genetics, Univ. Regensburg, Univ. Regensburg).